The following is an entry in ClinVar:

NM_001277115.2(DNAH11):c.7956T>A (p.Asp2652Glu)

Gene: DNAH11 (dynein axonemal heavy chain 11; plus strand). Cytogenetic location: 7p15.3.
Variant type: single nucleotide variant.
Coding change: c.7956T>A on transcript NM_001277115.2 (MANE Select); coding-DNA position 7956, T replaced by A.
Protein change: p.Asp2652Glu; replaces aspartic acid 2652 with glutamic acid.
Molecular consequence: missense variant.
Genome position (GRCh38, 1-based): chr7:21,741,968, T>A. VCF-style: chr7-21741968-T-A. GRCh37 (hg19) VCF-style: chr7-21781586-T-A.
Other names: c.7977T>A, p.Asp2659Glu (NM_003777.3); short protein forms D2659E, D2652E.
Identifiers: ClinVar variation 1761370 (VCV001761370.2), dbSNP rs2535107389, ClinGen allele CA366951697.

ClinVar aggregate classification (germline): Uncertain significance (1 of 4 stars; one submission).

Conditions:
Primary ciliary dyskinesia. Also called: Ciliary dyskinesia. Identifiers: Orphanet 244, MedGen C0008780, MONDO:0016575, HP:0012265.

Allele frequency attached by ClinVar (database versions not stated): gnomAD exomes below 0.00001.
gnomAD v4.1: 2 of 1,613,954 alleles (0.00012%); highest among the groups gnomAD compares: East Asian, 0.0022%; no homozygotes.

Submission:

Ambry Genetics
Classification: Uncertain significance for Primary ciliary dyskinesia. Last evaluated: 2022-07-02. Review status: criteria provided, single submitter. Criteria: Ambry Variant Classification Scheme 2023. Collection method: clinical testing. Allele origin: germline.
Comment: The p.D2652E variant (also known as c.7956T>A), located in coding exon 49 of the DNAH11 gene, results from a T to A substitution at nucleotide position 7956. The aspartic acid at codon 2652 is replaced by glutamic acid, an amino acid with highly similar properties. This amino acid position is conserved. In addition, this alteration is predicted to be tolerated by in silico analysis. Since supporting evidence is limited at this time, the clinical significance of this alteration remains unclear.